The following is an entry in ClinVar:

ClinVar aggregate classification (germline): Uncertain significance. Review status: criteria provided, multiple submitters, no conflicts (2 of 4 stars). 4 submissions from 4 submitters: Uncertain significance (4). Last evaluated 2025-07-11.

Conditions:
Lymphangiomyomatosis (LAM). Also called: Lymphangioleiomyomatosis, somatic; Lymphangioleiomyomatosis. Identifiers: Orphanet 538, MedGen C0751674, MONDO:0011705, OMIM 606690.
Isolated focal cortical dysplasia type II (FCORD2). Also called: CORTICAL DYSPLASIA OF TAYLOR; Focal cortical dysplasia type II. Identifiers: Orphanet 268994, MedGen C1846385, MONDO:0011818, OMIM 607341, HP:0032051.
Tuberous sclerosis 2 (TSC2). Identifiers: Orphanet 805, MedGen C1860707, MONDO:0013199, OMIM 613254.
Tuberous sclerosis syndrome (TSC). Also called: Tuberous sclerosis; Tuberous Sclerosis Complex. Identifiers: Orphanet 805, MedGen C0041341, MONDO:0001734.
Hereditary cancer-predisposing syndrome. Also called: Neoplastic Syndromes, Hereditary; Tumor predisposition; Hereditary neoplastic syndrome; Hereditary Cancer Syndrome. Identifiers: Orphanet 140162, MedGen C0027672, MeSH D009386, MONDO:0015356.

Allele frequency attached by ClinVar (database versions not stated): TOPMed below 0.00001.

Submissions (4):

Color Diagnostics, LLC DBA Color Health
Classification: Uncertain significance for Tuberous sclerosis syndrome. Last evaluated: 2025-07-11. Review status: criteria provided, single submitter. Criteria: ACMG Guidelines, 2015. Collection method: clinical testing. Allele origin: germline.
Comment: This missense variant replaces lysine with glutamic acid at codon 83 of the TSC2 protein. Computational prediction suggests that this variant may not impact protein structure and function. To our knowledge, functional studies have not been reported for this variant. This variant has not been reported in individuals affected with TSC2-related disorders in the literature. This variant has not been identified in the general population by the Genome Aggregation Database (gnomAD). The available evidence is insufficient to determine the role of this variant in disease conclusively. Therefore, this variant is classified as a Variant of Uncertain Significance.

Ambry Genetics
Classification: Uncertain significance for Hereditary cancer-predisposing syndrome. Last evaluated: 2024-10-26. Review status: criteria provided, single submitter. Criteria: Ambry Variant Classification Scheme 2023. Collection method: clinical testing. Allele origin: germline.
Comment: The p.K83E variant (also known as c.247A>G), located in coding exon 3 of the TSC2 gene, results from an A to G substitution at nucleotide position 247. The lysine at codon 83 is replaced by glutamic acid, an amino acid with similar properties. This amino acid position is well conserved in available vertebrate species. In addition, this alteration is predicted to be tolerated by in silico analysis. Based on the available evidence, the clinical significance of this variant remains unclear.

Labcorp Genetics (formerly Invitae), Labcorp
Classification: Uncertain significance for Tuberous sclerosis 2. Last evaluated: 2024-07-08. Review status: criteria provided, single submitter. Criteria: Invitae Variant Classification Sherloc (09022015). Collection method: clinical testing. Allele origin: germline.
Comment: This sequence change replaces lysine, which is basic and polar, with glutamic acid, which is acidic and polar, at codon 83 of the TSC2 protein (p.Lys83Glu). This variant is not present in population databases (gnomAD no frequency). This variant has not been reported in the literature in individuals affected with TSC2-related conditions. ClinVar contains an entry for this variant (Variation ID: 1791884). Advanced modeling of protein sequence and biophysical properties (such as structural, functional, and spatial information, amino acid conservation, physicochemical variation, residue mobility, and thermodynamic stability) performed at Invitae indicates that this missense variant is not expected to disrupt TSC2 protein function with a negative predictive value of 95%. In summary, the available evidence is currently insufficient to determine the role of this variant in disease. Therefore, it has been classified as a Variant of Uncertain Significance.

Fulgent Genetics
Classification: Uncertain significance for Lymphangiomyomatosis; Isolated focal cortical dysplasia type II; Tuberous sclerosis 2. Last evaluated: 2024-06-20. Review status: criteria provided, single submitter. Criteria: ACMG Guidelines, 2015. Collection method: clinical testing. Allele origin: germline.

NM_000548.5(TSC2):c.247A>G (p.Lys83Glu)

Gene: TSC2 (TSC complex subunit 2; plus strand). Cytogenetic location: 16p13.3.
Variant type: single nucleotide variant.
Coding change: c.247A>G on transcript NM_000548.5 (MANE Select); coding-DNA position 247, A replaced by G.
Protein change: p.Lys83Glu; replaces lysine 83 with glutamic acid.
Molecular consequence: missense variant. On other transcripts: intron variant (2).
Genome position (GRCh38, 1-based): chr16:2,053,363, A>G. VCF-style: chr16-2053363-A-G. GRCh37 (hg19) VCF-style: chr16-2103364-A-G.
Other names: c.247A>G, p.Lys83Glu (NM_001077183.3, NM_001114382.3, NM_001363528.2 and 10 more transcripts); c.100A>G, p.Lys34Glu (NM_001318829.2, NM_001406675.1, NM_001406676.1 and 2 more transcripts); c.280A>G, p.Lys94Glu (NM_001318832.2); c.-570A>G (NM_001406680.1, NM_001406683.1, NM_001406687.1); c.-199A>G (NM_001406681.1); c.-1185A>G (NM_001406689.1, NM_001406690.1, NM_001406691.1 and 2 more transcripts); c.-1491A>G (NM_001406693.1); c.-1066A>G (NM_001406694.1, NM_001406695.1); and 4 more; short protein forms K83E, K34E, K94E.
Identifiers: ClinVar variation 1791884 (VCV001791884.9), dbSNP rs2085361160, ClinGen allele CA394305503.